The following is an entry in ClinVar:

ClinVar aggregate classification (germline): Likely benign. Review status: criteria provided, single submitter (1 of 4 stars). 2 submissions from 2 submitters: Likely benign (1). 1 of the submissions does not count toward it. Last evaluated 2025-04-28.

Conditions:
RP1-related disorder. Also called: RP1-related condition.

Allele frequency attached by ClinVar (database versions not stated): gnomAD exomes below 0.00001 and 0.00001; ExAC 0.00001; gnomAD 0.00002; TOPMed 0.00003.
gnomAD v4.1: 16 of 1,613,954 alleles (0.00099%); highest among the groups gnomAD compares: Non-Finnish European, 0.0013%; no homozygotes.

Submissions (2):

Labcorp Genetics (formerly Invitae), Labcorp
Classification: Likely benign. Last evaluated: 2025-04-28. Review status: criteria provided, single submitter. Criteria: Invitae Variant Classification Sherloc (09022015). Collection method: clinical testing. Allele origin: germline.

PreventionGenetics, part of Exact Sciences
Classification: Likely benign for RP1-related condition. Last evaluated: 2020-08-04. Review status: no assertion criteria provided. Collection method: clinical testing. Allele origin: germline. Not counted in ClinVar's aggregate classification.
Comment: This variant is classified as likely benign based on ACMG/AMP sequence variant interpretation guidelines (Richards et al. 2015 PMID: 25741868, with internal and published modifications).

NM_006269.2(RP1):c.5256T>C (p.His1752=)

Genes: RP1 (RP1 axonemal microtubule associated; plus strand), LOC126860392 (CDK7 strongly-dependent group 2 enhancer GRCh37_chr8:55541319-55542518; plus strand). Cytogenetic location: 8q12.1.
Variant type: single nucleotide variant.
Coding change: c.5256T>C on transcript NM_006269.2 (MANE Select); coding-DNA position 5256, T replaced by C.
Protein change: p.His1752=; no amino-acid change (histidine 1752 retained).
Molecular consequence: synonymous variant. On other transcripts: intron variant (1).
Genome position (GRCh38, 1-based): chr8:54,629,138, T>C. VCF-style: chr8-54629138-T-C. GRCh37 (hg19) VCF-style: chr8-55541698-T-C.
Other names: c.787+6850T>C (NM_001375654.1); c.5256T>C (NM_006269.1).
Identifiers: ClinVar variation 1116315 (VCV001116315.11), dbSNP rs745772363, ClinGen allele CA4752026.